The following is an entry in ClinVar:

ClinVar aggregate classification (germline): Uncertain significance (1 of 4 stars; one submission).

Allele frequency attached by ClinVar (database versions not stated): TOPMed 0.00001; gnomAD exomes below 0.00001; gnomAD 0.00002.
gnomAD v4.1: 8 of 1,613,846 alleles (0.0005%); highest among the groups gnomAD compares: African/African-American, 0.0013%; no homozygotes.

Submission:

Labcorp Genetics (formerly Invitae), Labcorp
Classification: Uncertain significance. Last evaluated: 2022-09-13. Review status: criteria provided, single submitter. Criteria: Invitae Variant Classification Sherloc (09022015). Collection method: clinical testing. Allele origin: germline.
Comment: This sequence change replaces tryptophan, which is neutral and slightly polar, with cysteine, which is neutral and slightly polar, at codon 3163 of the CDH23 protein (p.Trp3163Cys). This variant is present in population databases (no rsID available, gnomAD 0.0009%). This variant has not been reported in the literature in individuals affected with CDH23-related conditions. ClinVar contains an entry for this variant (Variation ID: 959870). Advanced modeling of protein sequence and biophysical properties (such as structural, functional, and spatial information, amino acid conservation, physicochemical variation, residue mobility, and thermodynamic stability) performed at Invitae indicates that this missense variant is not expected to disrupt CDH23 protein function. In summary, the available evidence is currently insufficient to determine the role of this variant in disease. Therefore, it has been classified as a Variant of Uncertain Significance.

NM_022124.6(CDH23):c.9489G>C (p.Trp3163Cys)

Gene: CDH23 (cadherin related 23; plus strand). Cytogenetic location: 10q22.1.
Variant type: single nucleotide variant.
Coding change: c.9489G>C on transcript NM_022124.6 (MANE Select); coding-DNA position 9489, G replaced by C.
Protein change: p.Trp3163Cys; replaces tryptophan 3163 with cysteine.
Molecular consequence: missense variant.
Genome position (GRCh38, 1-based): chr10:71,812,588, G>C. VCF-style: chr10-71812588-G-C. GRCh37 (hg19) VCF-style: chr10-73572345-G-C.
Other names: c.2769G>C, p.Trp923Cys (NM_001171933.1, NM_001171934.1); c.180G>C, p.Trp60Cys (NM_001171935.1, NM_001171936.1); short protein forms W60C, W923C, W3163C.
Identifiers: ClinVar variation 959870 (VCV000959870.7), dbSNP rs1264452815, ClinGen allele CA377136875.